The following is an entry in ClinVar:

ClinVar aggregate classification (germline): Uncertain significance (1 of 4 stars; one submission).

Conditions:
TTN-related disorder. Also called: TTN-related disorders; TTN-related condition; TTN-related disease.

gnomAD v4.1: 9 of 1,613,586 alleles (0.00056%); highest among the groups gnomAD compares: Admixed American, 0.0083%; no homozygotes.

Submission:

PreventionGenetics, part of Exact Sciences
Classification: Uncertain significance for TTN-related condition. Last evaluated: 2025-09-05. Review status: criteria provided, single submitter. Criteria: ACMG Guidelines, 2015. Collection method: clinical testing. Allele origin: germline.
Comment: The TTN c.82205T>C variant is predicted to result in the amino acid substitution p.Ile27402Thr. To our knowledge, this variant has not been reported in the literature. This variant is reported in 0.0058% of alleles in individuals of Latino descent in gnomAD. At this time, the clinical significance of this variant is uncertain due to the absence of conclusive functional and genetic evidence.

NM_001267550.2(TTN):c.82205T>C (p.Ile27402Thr)

Genes: TTN (titin; minus strand), TTN-AS1 (TTN antisense RNA 1; plus strand). Cytogenetic location: 2q31.2.
Variant type: single nucleotide variant.
Coding change: c.82205T>C on transcript NM_001267550.2 (MANE Select); coding-DNA position 82205, T replaced by C.
Protein change: p.Ile27402Thr; replaces isoleucine 27402 with threonine.
Molecular consequence: missense variant.
Genome position (GRCh38, 1-based): chr2:178,563,927, A>G on the plus strand (T>C on the coding strand, the complement: TTN is on the minus strand). VCF-style: chr2-178563927-A-G. GRCh37 (hg19) VCF-style: chr2-179428654-A-G.
Other names: c.77282T>C, p.Ile25761Thr (NM_001256850.1); c.55010T>C, p.Ile18337Thr (NM_003319.4); c.74501T>C, p.Ile24834Thr (NM_133378.4); c.55385T>C, p.Ile18462Thr (NM_133432.3); c.55586T>C, p.Ile18529Thr (NM_133437.4); short protein forms I24834T, I25761T, I18529T, I27402T, I18337T, I18462T.
Identifiers: ClinVar variation 4989556 (VCV004989556.1).